The following is an entry in ClinVar:

NM_001379200.1(TBX1):c.438-5C>G

Gene: TBX1 (T-box transcription factor 1; plus strand). Cytogenetic location: 22q11.21.
Variant type: single nucleotide variant.
Coding change: c.438-5C>G on transcript NM_001379200.1 (MANE Select); 5 bases into the intron before coding-DNA position 438, C replaced by G.
Molecular consequence: intron variant.
Genome position (GRCh38, 1-based): chr22:19,763,236, C>G. VCF-style: chr22-19763236-C-G. GRCh37 (hg19) VCF-style: chr22-19750759-C-G.
Other names: c.411-5C>G (NM_005992.1, NM_080646.2, NM_080647.1).
Identifiers: ClinVar variation 857893 (VCV000857893.13), dbSNP rs972035685, ClinGen allele CA322054643.

ClinVar aggregate classification (germline): Conflicting classifications of pathogenicity. Review status: criteria provided, conflicting classifications (1 of 4 stars). 3 submissions from 3 submitters: Uncertain significance (1); Likely benign (1). 1 of the submissions does not count toward it. Last evaluated 2025-11-23.

Conditions:
DiGeorge syndrome. Also called: Catch22; THIRD AND FOURTH PHARYNGEAL POUCH SYNDROME. Identifiers: Orphanet 567, MedGen C0012236, MONDO:0008564, OMIM 188400.
TBX1-related disorder. Also called: TBX1-Related Disorders; TBX1-related condition.

Allele frequency attached by ClinVar (database versions not stated): gnomAD exomes 0.00001; gnomAD 0.00004; TOPMed 0.00004.
gnomAD v4.1: 72 of 1,613,688 alleles (0.0045%); highest among the groups gnomAD compares: Non-Finnish European, 0.0057%; no homozygotes.

Submissions (3):

Labcorp Genetics (formerly Invitae), Labcorp
Classification: Likely benign for DiGeorge syndrome. Last evaluated: 2025-11-23. Review status: criteria provided, single submitter. Criteria: Invitae Variant Classification Sherloc (09022015). Collection method: clinical testing. Allele origin: germline.

GeneDx
Classification: Uncertain significance. Last evaluated: 2025-10-14. Review status: criteria provided, single submitter. Criteria: GeneDx Variant Classification Process June 2021. Collection method: clinical testing. Allele origin: germline. Affected: yes.
Comment: Has not been previously published as pathogenic or benign to our knowledge; In silico analysis suggests this variant may impact gene splicing. In the absence of RNA/functional studies, the actual effect of this sequence change is unknown.

PreventionGenetics, part of Exact Sciences
Classification: Uncertain significance for TBX1-related condition. Last evaluated: 2024-09-06. Review status: no assertion criteria provided. Collection method: clinical testing. Allele origin: germline. Not counted in ClinVar's aggregate classification.
Comment: The TBX1 c.411-5C>G variant is predicted to interfere with splicing. This variant is predicted to decrease the strength of the canonical acceptor splice site in favor of a cryptic splice site at c.411-31 (SpliceAI, Jaganathan et al. 2019. PubMed ID: 30661751; Alamut Visual Plus v1.6.1). To our knowledge, this variant has not been reported in the literature. This variant is reported in 0.0018% of alleles in individuals of European (Non-Finnish) descent in gnomAD. At this time, the clinical significance of this variant is uncertain due to the absence of conclusive functional and genetic evidence.